The following is an entry in ClinVar:

NM_007118.4(TRIO):c.5297C>G (p.Pro1766Arg)

Gene: TRIO (trio Rho guanine nucleotide exchange factor; plus strand). Cytogenetic location: 5p15.2.
Variant type: single nucleotide variant.
Coding change: c.5297C>G on transcript NM_007118.4 (MANE Select); coding-DNA position 5297, C replaced by G.
Protein change: p.Pro1766Arg; replaces proline 1766 with arginine.
Molecular consequence: missense variant. On other transcripts: non-coding transcript variant (1).
Genome position (GRCh38, 1-based): chr5:14,461,112, C>G. VCF-style: chr5-14461112-C-G. GRCh37 (hg19) VCF-style: chr5-14461221-C-G.
Other names: c.5297C>G (NM_007118.2); short protein forms P1766R.
Identifiers: ClinVar variation 941366 (VCV000941366.10), dbSNP rs1753762422, ClinGen allele CA359227016.

ClinVar aggregate classification (germline): Uncertain significance. Review status: criteria provided, multiple submitters, no conflicts (2 of 4 stars). 2 submissions from 2 submitters: Uncertain significance (2). Last evaluated 2022-11-10.

Allele frequency attached by ClinVar (database versions not stated): gnomAD 0.00001; TOPMed 0.00001.
gnomAD v4.1: 2 of 1,559,586 alleles (0.00013%); highest among the groups gnomAD compares: Admixed American, 0.0019%; no homozygotes.

Submissions (2):

GeneDx
Classification: Uncertain significance. Last evaluated: 2022-11-10. Review status: criteria provided, single submitter. Criteria: GeneDx Variant Classification Process June 2021. Collection method: clinical testing. Allele origin: germline. Affected: yes.
Comment: Not observed at significant frequency in large population cohorts (gnomAD); In silico analysis supports that this missense variant has a deleterious effect on protein structure/function; Has not been previously published as pathogenic or benign to our knowledge

Labcorp Genetics (formerly Invitae), Labcorp
Classification: Uncertain significance. Last evaluated: 2019-10-17. Review status: criteria provided, single submitter. Criteria: Invitae Variant Classification Sherloc (09022015). Collection method: clinical testing. Allele origin: germline.
Comment: This sequence change replaces proline with arginine at codon 1766 of the TRIO protein (p.Pro1766Arg). The proline residue is moderately conserved and there is a moderate physicochemical difference between proline and arginine. The frequency data for this variant in the population databases is considered unreliable, as metrics indicate insufficient coverage at this position in the ExAC database. This variant has not been reported in the literature in individuals with TRIO-related conditions. Algorithms developed to predict the effect of missense changes on protein structure and function (SIFT, PolyPhen-2, Align-GVGD) all suggest that this variant is likely to be tolerated, but these predictions have not been confirmed by published functional studies and their clinical significance is uncertain. In summary, the available evidence is currently insufficient to determine the role of this variant in disease. Therefore, it has been classified as a Variant of Uncertain Significance.